The following is an entry in ClinVar:

NM_007294.4(BRCA1):c.5442C>G (p.Ala1814=)

Gene: BRCA1 (BRCA1 DNA repair associated; minus strand). Cytogenetic location: 17q21.31.
Variant type: single nucleotide variant.
Coding change: c.5442C>G on transcript NM_007294.4 (MANE Select); coding-DNA position 5442, C replaced by G.
Protein change: p.Ala1814=; no amino-acid change (alanine 1814 retained).
Molecular consequence: synonymous variant. On other transcripts: missense variant (17).
Genome position (GRCh38, 1-based): chr17:43,047,668, G>C on the plus strand (C>G on the coding strand, the complement: BRCA1 is on the minus strand). VCF-style: chr17-43047668-G-C. GRCh37 (hg19) VCF-style: chr17-41199685-G-C.
Other names: c.5229C>G, p.Ala1743= (NM_001407571.1, NM_001407894.1, NM_001407895.1 and 12 more transcripts); c.5508C>G, p.Ala1836= (NM_001407581.1, NM_001407582.1); c.5505C>G, p.Ala1835= (NM_001407583.1, NM_001407585.1, NM_001407587.1 and 1 more transcripts); c.5502C>G, p.Ala1834= (NM_001407590.1, NM_001407591.1); c.5442C>G, p.Ala1814= (NM_001407593.1, NM_001407594.1, NM_001407596.1 and 5 more transcripts); c.5439C>G, p.Ala1813= (NM_001407610.1, NM_001407611.1, NM_001407612.1 and 14 more transcripts); c.5436C>G, p.Ala1812= (NM_001407627.1, NM_001407628.1, NM_001407629.1 and 13 more transcripts); c.5433C>G, p.Ala1811= (NM_001407644.1, NM_001407645.1); and 83 more; short protein forms L686V, L1749V, L1743V, L1788V, L1789V, L685V, L1748V, L1790V.
Identifiers: ClinVar variation 865522 (VCV000865522.3), dbSNP rs2050983965, ClinGen allele CA10590527.

Conditions:
Breast-ovarian cancer, familial, susceptibility to, 1 (BROVCA1). Also called: BRCA1 Hereditary Breast and Ovarian Cancer; OVARIAN CANCER, SUSCEPTIBILITY TO. Identifiers: Orphanet 145, MedGen C2676676, MONDO:0011450, OMIM 604370. Disease mechanism: loss of function.

Submission:

Brotman Baty Institute, University of Washington
No classification provided (evidence only). Condition: Breast-ovarian cancer, familial 1. Review status: no classification provided. Collection method: in vitro. Allele origin: not applicable. Functional consequence: functionally_normal.
ClinVar note: "not provided" was previously submitted as the classification for the variant. However, the classification appeared to be based only on an observation of functional data so it was converted to no classification on 2025-07-30.